The following is an entry in ClinVar:

ClinVar aggregate classification (germline): Likely benign. Review status: criteria provided, multiple submitters, no conflicts (2 of 4 stars). 3 submissions from 3 submitters: Likely benign (2). 1 of the submissions does not count toward it. Last evaluated 2026-01-08.

Conditions:
CACNA1F-related disorder. Also called: CACNA1F-related condition.

Allele frequency attached by ClinVar (database versions not stated): gnomAD exomes 0.00002; ExAC 0.00005; gnomAD 0.00014 and 0.00015; TOPMed 0.00036.
gnomAD v4.1: 45 of 1,178,506 alleles (0.0038%); highest among the groups gnomAD compares: Admixed American, 0.06%; no homozygotes.

Submissions (3):

Labcorp Genetics (formerly Invitae), Labcorp
Classification: Likely benign. Last evaluated: 2026-01-08. Review status: criteria provided, single submitter. Criteria: Invitae Variant Classification Sherloc (09022015). Collection method: clinical testing. Allele origin: germline.

Blueprint Genetics
Classification: Likely benign. Last evaluated: 2024-08-27. Review status: criteria provided, single submitter. Criteria: ACMG Guidelines, 2015. Collection method: clinical testing. Allele origin: germline.

PreventionGenetics, part of Exact Sciences
Classification: Likely benign for CACNA1F-related condition. Last evaluated: 2019-06-17. Review status: no assertion criteria provided. Collection method: clinical testing. Allele origin: germline. Not counted in ClinVar's aggregate classification.
Comment: This variant is classified as likely benign based on ACMG/AMP sequence variant interpretation guidelines (Richards et al. 2015 PMID: 25741868, with internal and published modifications).

NM_001256789.3(CACNA1F):c.63C>A (p.Gly21=)

Gene: CACNA1F (calcium voltage-gated channel subunit alpha1 F; minus strand). Cytogenetic location: Xp11.23.
Variant type: single nucleotide variant.
Coding change: c.63C>A on transcript NM_001256789.3 (MANE Select); coding-DNA position 63, C replaced by A.
Protein change: p.Gly21=; no amino-acid change (glycine 21 retained).
Molecular consequence: synonymous variant. On other transcripts: intron variant (1).
Genome position (GRCh38, 1-based): chrX:49,231,890, G>T on the plus strand (C>A on the coding strand, the complement: CACNA1F is on the minus strand). VCF-style: chrX-49231890-G-T. GRCh37 (hg19) VCF-style: chrX-49088352-G-T.
Other names: c.63C>A, p.Gly21= (NM_005183.4); c.66-198C>A (NM_001256790.3); c.63C>A (NM_005183.3).
Identifiers: ClinVar variation 1152692 (VCV001152692.12), dbSNP rs782372812, ClinGen allele CA10411137.
Genomic context (GRCh38, chrX:49,231,890, plus strand): 5'-CCCACTGCTTTCACCTTCCACAGCTGGGGGCCCGGGGCACAGCCCCCATTCGGGACCAGG[G>T]CCTGCCCCATTGGCTGGACTGGGCTCTGGGGTGGTGTCTATATGGAGAAACTGTGTCAGG-3'
Protein context (NP_001243718.1, residues 11-31): TPEPSPANGA[Gly21=]PGPEWGLCPG